The following is an entry in ClinVar:

NM_000342.4(SLC4A1):c.788G>A (p.Arg263His)

Gene: SLC4A1 (solute carrier family 4 member 1 (Diego blood group); minus strand). Cytogenetic location: 17q21.31.
Variant type: single nucleotide variant.
Coding change: c.788G>A on transcript NM_000342.4 (MANE Select); coding-DNA position 788, G replaced by A.
Protein change: p.Arg263His; replaces arginine 263 with histidine.
Molecular consequence: missense variant.
Genome position (GRCh38, 1-based): chr17:44,259,251, C>T on the plus strand (G>A on the coding strand, the complement: SLC4A1 is on the minus strand). VCF-style: chr17-44259251-C-T. GRCh37 (hg19) VCF-style: chr17-42336619-C-T.
Other names: p.Arg263His; short protein forms R263H.
Identifiers: ClinVar variation 2184414 (VCV002184414.6), dbSNP rs201400208, ClinGen allele CA8600463.
Genomic context (GRCh38, chr17:44,259,251, plus strand): 5'-CGGCCAAGCTGGGTGTAATCGATGTGGGGGGCCTCAGGTCCCAGCAACACAAAGAGGAAG[C>T]GTATAGGCACCGGCAGCTCCACCGCCTCCAGCTCCGCTGCCTCCTGCAGCCTCACGAAGC-3'
Protein context (NP_000333.1, residues 253-273): LEAVELPVPI[Arg263His]FLFVLLGPEA

ClinVar aggregate classification (germline): Conflicting classifications of pathogenicity. Review status: criteria provided, conflicting classifications (1 of 4 stars). 3 submissions from 3 submitters: Uncertain significance (2); Likely benign (1). Last evaluated 2025-11-27.

Conditions:
BLOOD GROUP--SWANN SYSTEM (SW). Also called: SWANN BLOOD GROUP. Identifiers: MedGen C1832169, OMIM 601550.
BLOOD GROUP, WALDNER (WD). Also called: WALDNER BLOOD GROUP ANTIGEN. Identifiers: MedGen C1862191, OMIM 112010.
BLOOD GROUP--WRIGHT ANTIGEN (WR). Identifiers: MedGen C1862190, OMIM 112050.
BLOOD GROUP--FROESE (FR). Also called: FROESE BLOOD GROUP ANTIGEN. Identifiers: MedGen C1832168, OMIM 601551.
Hereditary spherocytosis type 4. Also called: SLC4A1-Related Spherocytosis. Identifiers: Orphanet 822, MedGen C2675212, MONDO:0012981, OMIM 612653.
Malaria, susceptibility to. Identifiers: Orphanet 673, MedGen C1970028, MONDO:0021024, OMIM 611162.
BLOOD GROUP--DIEGO SYSTEM (DI). Identifiers: MedGen C1292286, OMIM 110500.
Cryohydrocytosis. Also called: Hereditary cryohydrocytosis with normal stomatin; STOMATOCYTOSIS, COLD-SENSITIVE; CRYOHYDROCYTOSIS DUE TO BAND 3 HEMEL; CRYOHYDROCYTOSIS DUE TO BAND 3 HURSTPIERPOINT; CRYOHYDROCYTOSIS DUE TO BAND 3 BLACKBURN. Identifiers: Orphanet 398088, MedGen C1861453, MONDO:0008494, OMIM 185020.
Southeast Asian ovalocytosis. Also called: Elliptocytosis 4; HE, STOMATOCYTIC; Stomatocytic elliptocytosis, hereditary; Ovalocytosis, Malaysian-Melanesian-Filipino type. Identifiers: Orphanet 98868, MedGen C1862322, MONDO:0008165, OMIM 166900.
Autosomal dominant distal renal tubular acidosis (DRTA1). Also called: RENAL TUBULAR ACIDOSIS, DISTAL, 1; RTA, CLASSIC TYPE; RTA, DISTAL TYPE, AUTOSOMAL DOMINANT; RTA, GRADIENT TYPE; Renal Tubular Acidosis, Type I. Identifiers: Orphanet 93608, MedGen CN280572, MONDO:0008368, OMIM 179800.
Renal tubular acidosis, distal, 4, with hemolytic anemia. Also called: Renal Tubular Acidosis, Distal, with Hemolytic Anemia. Identifiers: Orphanet 93610, MedGen C5436235, MONDO:0012700, OMIM 611590.

Allele frequency attached by ClinVar (database versions not stated): ExAC 0.00006; gnomAD 0.00008; TOPMed 0.00014; ESP Exome Variant Server 0.00008.

Submissions (3):

Labcorp Genetics (formerly Invitae), Labcorp
Classification: Likely benign. Last evaluated: 2025-11-27. Review status: criteria provided, single submitter. Criteria: Invitae Variant Classification Sherloc (09022015). Collection method: clinical testing. Allele origin: germline.

Mayo Clinic Laboratories, Mayo Clinic
Classification: Uncertain significance. Last evaluated: 2025-08-29. Review status: criteria provided, single submitter. Criteria: ACMG Guidelines, 2015. Collection method: clinical testing. Allele origin: germline. Observed: 2 variant alleles.
Comment: PP3

Fulgent Genetics
Classification: Uncertain significance for BLOOD GROUP--DIEGO SYSTEM; BLOOD GROUP, WALDNER; BLOOD GROUP--WRIGHT ANTIGEN; Southeast Asian ovalocytosis; Autosomal dominant distal renal tubular acidosis; Cryohydrocytosis; BLOOD GROUP--SWANN SYSTEM; BLOOD GROUP--FROESE; Malaria, susceptibility to; Renal tubular acidosis, distal, 4, with hemolytic anemia; Hereditary spherocytosis type 4. Last evaluated: 2024-01-08. Review status: criteria provided, single submitter. Criteria: ACMG Guidelines, 2015. Collection method: clinical testing. Allele origin: germline.